The following is an entry in ClinVar:

NM_006231.4(POLE):c.3060+2T>G

Gene: POLE (DNA polymerase epsilon, catalytic subunit; minus strand). Cytogenetic location: 12q24.33.
Variant type: single nucleotide variant.
Coding change: c.3060+2T>G on transcript NM_006231.4 (MANE Select); the canonical splice donor site of the intron after coding-DNA position 3060, T replaced by G.
Molecular consequence: splice donor variant.
Genome position (GRCh38, 1-based): chr12:132,660,967, A>C on the plus strand (T>G on the coding strand, the complement: POLE is on the minus strand). VCF-style: chr12-132660967-A-C. GRCh37 (hg19) VCF-style: chr12-133237553-A-C.
Other names: c.3060+2T>G (NM_006231.2).
Identifiers: ClinVar variation 405880 (VCV000405880.12), dbSNP rs775843286, ClinGen allele CA6893380.

ClinVar aggregate classification (germline): Conflicting classifications of pathogenicity. Review status: criteria provided, conflicting classifications (1 of 4 stars). 3 submissions from 3 submitters: Likely pathogenic (2); Uncertain significance (1). Last evaluated 2025-04-25.

Conditions:
Hereditary cancer-predisposing syndrome. Also called: Hereditary Cancer Syndrome; Hereditary neoplastic syndrome; Neoplastic Syndromes, Hereditary; Tumor predisposition. Identifiers: Orphanet 140162, MedGen C0027672, MeSH D009386, MONDO:0015356.

Allele frequency attached by ClinVar (database versions not stated): gnomAD exomes below 0.00001; ExAC 0.00001.
gnomAD v4.1: 2 of 1,599,792 alleles (0.00013%); highest among the groups gnomAD compares: Non-Finnish European, 0.00017%; no homozygotes.

Submissions (4):

Ambry Genetics
Classification: Uncertain significance for Hereditary cancer-predisposing syndrome. Last evaluated: 2025-04-25. Review status: criteria provided, single submitter. Criteria: Ambry Variant Classification Scheme 2023. Collection method: clinical testing. Allele origin: germline.
Comment: The c.3060+2T>G intronic variant results from a T to G substitution two nucleotides after coding exon 25 in the POLE gene. This nucleotide position is highly conserved in available vertebrate species. In silico splice site analysis predicts that this alteration will weaken the native splice donor site. Although biallelic loss of function of POLE has been associated with autosomal recessive POLE deficiency, haploinsufficiency of POLE has not been established as a mechanism of disease for POLE-related polymerase proofreading-associated polyposis (PPAP) and POLE-related CMMRD-like syndrome. Based on the supporting evidence, this variant is expected to be causative of POLE deficiency when present along with a second pathogenic variant on the other allele; however, its clinical significance for PPAP and POLE-related CMMRD-like syndrome is unclear.

Labcorp Genetics (formerly Invitae), Labcorp
Classification: Likely pathogenic. Last evaluated: 2025-01-12. Review status: criteria provided, single submitter. Criteria: Invitae Variant Classification Sherloc (09022015). Collection method: clinical testing. Allele origin: germline.
Comment: This sequence change affects a donor splice site in intron 25 of the POLE gene. It is expected to disrupt RNA splicing. Variants that disrupt the donor or acceptor splice site typically lead to a loss of protein function (PMID: 16199547), and loss-of-function variants in POLE are known to be pathogenic (PMID: 23230001, 25948378, 30503519). This variant is not present in population databases (gnomAD no frequency). This variant has not been reported in the literature in individuals affected with POLE-related conditions. ClinVar contains an entry for this variant (Variation ID: 405880). Algorithms developed to predict the effect of sequence changes on RNA splicing suggest that this variant may disrupt the consensus splice site. In summary, the currently available evidence indicates that the variant is pathogenic, but additional data are needed to prove that conclusively. Therefore, this variant has been classified as Likely Pathogenic.

GeneDx
Classification: Likely pathogenic. Last evaluated: 2022-12-02. Review status: criteria provided, single submitter. Criteria: GeneDx Variant Classification Process June 2021. Collection method: clinical testing. Allele origin: germline. Affected: yes.
Comment: Canonical splice site variant predicted to result in a null allele in a gene for which loss of function is a known mechanism of disease; Not observed at significant frequency in large population cohorts (gnomAD); Has not been previously published as pathogenic or benign to our knowledge

Dr. Peter K. Rogan Lab, Western University
No classification provided (evidence only). Condition: Ovarian serous cystadenocarcinoma. Review status: no classification provided. Collection method: in vitro. Allele origin: not applicable. Functional consequence: retained intron. Not counted in ClinVar's aggregate classification.

Literature cited by the submitters: PubMed 16199547 (cited by Labcorp Genetics (formerly Invitae), Labcorp); PubMed 23230001 (cited by Labcorp Genetics (formerly Invitae), Labcorp); PubMed 25948378 (cited by Labcorp Genetics (formerly Invitae), Labcorp); PubMed 30503519 (cited by Labcorp Genetics (formerly Invitae), Labcorp).